The following is an entry in ClinVar:

ClinVar aggregate classification (germline): Uncertain significance. Review status: criteria provided, multiple submitters, no conflicts (2 of 4 stars). 3 submissions from 3 submitters: Uncertain significance (3). Last evaluated 2025-03-04.

Conditions:
Cardiovascular phenotype. Identifiers: MedGen CN230736.
Catecholaminergic polymorphic ventricular tachycardia (CVPT). Also called: Catecholamine-induced polymorphic ventricular tachycardia. Identifiers: Orphanet 3286, MedGen C5574922, MONDO:0017990.

Allele frequency attached by ClinVar (database versions not stated): gnomAD exomes below 0.00001; gnomAD 0.00001.
gnomAD v4.1: 2 of 1,611,920 alleles (0.00012%); highest among the groups gnomAD compares: Non-Finnish European, 0.000085%; no homozygotes.

Submissions (3):

GeneDx
Classification: Uncertain significance. Last evaluated: 2025-03-04. Review status: criteria provided, single submitter. Criteria: GeneDx Variant Classification Process June 2021. Collection method: clinical testing. Allele origin: germline. Affected: yes.
Comment: Not observed at significant frequency in large population cohorts (gnomAD); In silico analysis supports that this missense variant has a deleterious effect on protein structure/function; Has not been previously published as pathogenic or benign to our knowledge; Not located in one of the three hot-spot regions of the RYR2 gene, where the majority of pathogenic missense variants occur (PMID: 19926015); This variant is associated with the following publications: (PMID: 19926015)

Ambry Genetics
Classification: Uncertain significance for Cardiovascular phenotype. Last evaluated: 2024-04-02. Review status: criteria provided, single submitter. Criteria: Ambry Variant Classification Scheme 2023. Collection method: clinical testing. Allele origin: germline.
Comment: The p.D3662E variant (also known as c.10986T>A), located in coding exon 78 of the RYR2 gene, results from a T to A substitution at nucleotide position 10986. The aspartic acid at codon 3662 is replaced by glutamic acid, an amino acid with highly similar properties. This amino acid position is highly conserved in available vertebrate species. In addition, the in silico prediction for this alteration is inconclusive. Based on the available evidence, the clinical significance of this alteration remains unclear.

All of Us Research Program, National Institutes of Health
Classification: Uncertain significance for Catecholaminergic polymorphic ventricular tachycardia. Last evaluated: 2023-08-15. Review status: criteria provided, single submitter. Criteria: ACMG Guidelines, 2015. Collection method: clinical testing. Allele origin: germline. Inheritance: Autosomal dominant inheritance. Observed: 1 variant allele, 1 heterozygote.
Comment: This study involves interpretation of variants in research participants for the purpose of population health screening. Participant phenotype was not available at the time of variant classification. Additional details can be found in publication PMID: 35346344, PMCID: PMC8962531

NM_001035.3(RYR2):c.10986T>A (p.Asp3662Glu)

Gene: RYR2 (ryanodine receptor 2; plus strand). Cytogenetic location: 1q43.
Variant type: single nucleotide variant.
Coding change: c.10986T>A on transcript NM_001035.3 (MANE Select); coding-DNA position 10986, T replaced by A.
Protein change: p.Asp3662Glu; replaces aspartic acid 3662 with glutamic acid.
Molecular consequence: missense variant.
Genome position (GRCh38, 1-based): chr1:237,732,096, T>A. VCF-style: chr1-237732096-T-A. GRCh37 (hg19) VCF-style: chr1-237895396-T-A.
Other names: c.10986T>A (NM_001035.2); short protein forms D3662E.
Identifiers: ClinVar variation 3072744 (VCV003072744.3), dbSNP rs1170793816, ClinGen allele CA345419015.